The following is an entry in ClinVar:

NM_001999.4(FBN2):c.209T>C (p.Val70Ala)

Gene: FBN2 (fibrillin 2; minus strand). Cytogenetic location: 5q23.3.
Variant type: single nucleotide variant.
Coding change: c.209T>C on transcript NM_001999.4 (MANE Select); coding-DNA position 209, T replaced by C.
Protein change: p.Val70Ala; replaces valine 70 with alanine.
Molecular consequence: missense variant.
Genome position (GRCh38, 1-based): chr5:128,537,395, A>G on the plus strand (T>C on the coding strand, the complement: FBN2 is on the minus strand). VCF-style: chr5-128537395-A-G. GRCh37 (hg19) VCF-style: chr5-127873088-A-G.
Other names: short protein forms V70A.
Identifiers: ClinVar variation 618125 (VCV000618125.21), dbSNP rs144149249, ClinGen allele CA3396203.

ClinVar aggregate classification (germline): Likely benign. Review status: criteria provided, multiple submitters, no conflicts (2 of 4 stars). 5 submissions from 5 submitters: Likely benign (5). Last evaluated 2026-04-16.

Conditions:
FBN2-related disorder. Also called: FBN2-related condition.
Familial thoracic aortic aneurysm and aortic dissection (TAAD). Also called: Thoracic aortic aneurysms and dissections. Identifiers: Orphanet 91387, MedGen C4707243, MONDO:0019625.
Congenital contractural arachnodactyly (CCA). Also called: Arthrogryposis, distal, type 9; BEALS SYNDROME; Beals-Hecht syndrome. Identifiers: Orphanet 115, MedGen C0220668, MONDO:0007363, OMIM 121050.

Allele frequency attached by ClinVar (database versions not stated): ESP Exome Variant Server 0.00039; gnomAD 0.00039 and 0.00036; TOPMed 0.00039; 1000 Genomes Project 0.00040; gnomAD exomes 0.00010; ExAC 0.00012; 1000 Genomes Project 30x 0.00031.

Submissions (5):

PreventionGenetics, part of Exact Sciences
Classification: Likely benign for FBN2-related condition. Last evaluated: 2026-04-16. Review status: criteria provided, single submitter. Criteria: ACMG Guidelines, 2015. Collection method: clinical testing. Allele origin: germline.
Comment: This variant is classified as likely benign based on ACMG/AMP sequence variant interpretation guidelines (Richards et al. 2015 PMID: 25741868, with internal and published modifications).

Labcorp Genetics (formerly Invitae), Labcorp
Classification: Likely benign for Congenital contractural arachnodactyly. Last evaluated: 2025-04-26. Review status: criteria provided, single submitter. Criteria: Invitae Variant Classification Sherloc (09022015). Collection method: clinical testing. Allele origin: germline.

Ambry Genetics
Classification: Likely benign for Familial thoracic aortic aneurysm and aortic dissection. Last evaluated: 2022-02-14. Review status: criteria provided, single submitter. Criteria: Ambry Variant Classification Scheme 2023. Collection method: clinical testing. Allele origin: germline.

GeneDx
Classification: Likely benign. Last evaluated: 2021-04-02. Review status: criteria provided, single submitter. Criteria: GeneDx Variant Classification Process June 2021. Collection method: clinical testing. Allele origin: germline. Affected: yes.

ARUP Laboratories, Molecular Genetics and Genomics, ARUP Laboratories
Classification: Likely benign. Last evaluated: 2017-12-22. Review status: criteria provided, single submitter. Criteria: ARUP Molecular Germline Variant Investigation Process. Collection method: clinical testing. Allele origin: germline.
Comment: The c.209T>C variant has not been reported in the medical literature, gene specific variation databases, nor has it been previously identified by our laboratory. It is present in the genome Aggregation Database with an African population frequency of 0.13% (29 out of 22,888 chromosomes). The valine at position 70 is weakly conserved considering 11 species (Alamut software v.2.10.0) and computational algorithms do not predict that the variant has an impact on FBN2 structure or function (SIFT: tolerated, Poly-Phen 2: benign, Mutation Tester: polymorphism). Therefore, the c.209T>C variant is likely to be benign.